The following is an entry in ClinVar:

ClinVar aggregate classification (germline): Conflicting classifications of pathogenicity. Review status: criteria provided, conflicting classifications (1 of 4 stars). 6 submissions from 6 submitters: Uncertain significance (3); Likely benign (3). Last evaluated 2026-07-23.

Conditions:
Primary ciliary dyskinesia. Also called: Ciliary dyskinesia. Identifiers: Orphanet 244, MedGen C0008780, MONDO:0016575, HP:0012265.
Primary ciliary dyskinesia 3. Identifiers: Orphanet 244, MedGen C1837618, MONDO:0012085, OMIM 608644.

Allele frequency attached by ClinVar (database versions not stated): gnomAD exomes 0.00014 and 0.00032; ExAC 0.00037; gnomAD 0.00127 and 0.00131; TOPMed 0.00137; ESP Exome Variant Server 0.00138; 1000 Genomes Project 30x 0.00172; 1000 Genomes Project 0.00180.
gnomAD v4.1: 415 of 1,614,022 alleles (0.026%); highest among the groups gnomAD compares: African/African-American, 0.44%; 2 homozygotes.

Submissions (6):

GeneDx
Classification: Uncertain significance. Last evaluated: 2026-07-23. Review status: criteria provided, single submitter. Criteria: GeneDx Variant Classification Process June 2021. Collection method: clinical testing. Allele origin: germline.
Comment: In silico analysis supports that this missense variant has a deleterious effect on protein structure/function; Has not been previously published as pathogenic or benign to our knowledge

Labcorp Genetics (formerly Invitae), Labcorp
Classification: Likely benign for Primary ciliary dyskinesia. Last evaluated: 2026-01-16. Review status: criteria provided, single submitter. Criteria: Invitae Variant Classification Sherloc (09022015). Collection method: clinical testing. Allele origin: germline.

Ambry Genetics
Classification: Likely benign for Primary ciliary dyskinesia. Last evaluated: 2025-03-25. Review status: criteria provided, single submitter. Criteria: Ambry Variant Classification Scheme 2023. Collection method: clinical testing. Allele origin: germline.

Blueprint Genetics
Classification: Likely benign. Last evaluated: 2024-08-15. Review status: criteria provided, single submitter. Criteria: ACMG Guidelines, 2015. Collection method: clinical testing. Allele origin: germline.

Johns Hopkins Genomics, Johns Hopkins University
Classification: Uncertain significance for Primary ciliary dyskinesia 3. Last evaluated: 2023-09-22. Review status: criteria provided, single submitter. Criteria: ACMG Guidelines, 2015. Collection method: clinical testing. Allele origin: germline.
Comment: This DNAH5 missense variant (rs111912673 ) is present in a large population dataset (gnomAD v3.1.2: 187/152032 total alleles; 0.1%; no homozygotes). It has been reported in ClinVar (Variation ID 414348), but has not been reported in the literature, to our knowledge. Two bioinformatic tools queried predict that this substitution would be damaging, and the arginine residue at this position is evolutionarily conserved across all except one of the species assessed. We consider the clinical significance of c.8137C>T in DNAH5 to be uncertain at this time.

Illumina Laboratory Services, Illumina
Classification: Uncertain significance for Primary ciliary dyskinesia 3. Last evaluated: 2018-01-12. Review status: criteria provided, single submitter. Criteria: ICSL Variant Classification Criteria 13 December 2019. Collection method: clinical testing. Allele origin: germline.

NM_001369.3(DNAH5):c.8137C>T (p.Arg2713Cys)

Gene: DNAH5 (dynein axonemal heavy chain 5; minus strand). Cytogenetic location: 5p15.2.
Variant type: single nucleotide variant.
Coding change: c.8137C>T on transcript NM_001369.3 (MANE Select); coding-DNA position 8137, C replaced by T.
Protein change: p.Arg2713Cys; replaces arginine 2713 with cysteine.
Molecular consequence: missense variant.
Genome position (GRCh38, 1-based): chr5:13,793,602, G>A on the plus strand (C>T on the coding strand, the complement: DNAH5 is on the minus strand). VCF-style: chr5-13793602-G-A. GRCh37 (hg19) VCF-style: chr5-13793711-G-A.
Other names: short protein forms R2713C.
Identifiers: ClinVar variation 414348 (VCV000414348.23), dbSNP rs111912673, ClinGen allele CA3202891.
Genomic context (GRCh38, chr5:13,793,602, plus strand): 5'-AGGGCAACGTGCAATTAAATATAGAGAACTGCCTCTTGAGTCTTTGGGGTATGTCATTGC[G>A]TCCACCACCAGGATGGATCATGGCTGCCAAAAACTGGATGTCCACGATGCTGGTGAACTC-3'
Protein context (NP_001360.1, residues 2703-2723): LAAMIHPGGG[Arg2713Cys]NDIPQRLKRQ